The following is an entry in ClinVar:

NM_024675.4(PALB2):c.394G>A (p.Val132Ile)

Gene: PALB2 (partner and localizer of BRCA2; minus strand). Cytogenetic location: 16p12.2.
Variant type: single nucleotide variant.
Coding change: c.394G>A on transcript NM_024675.4 (MANE Select); coding-DNA position 394, G replaced by A.
Protein change: p.Val132Ile; replaces valine 132 with isoleucine.
Molecular consequence: missense variant.
Genome position (GRCh38, 1-based): chr16:23,636,152, C>T on the plus strand (G>A on the coding strand, the complement: PALB2 is on the minus strand). VCF-style: chr16-23636152-C-T. GRCh37 (hg19) VCF-style: chr16-23647473-C-T.
Other names: c.394G>A (NM_024675.3); short protein forms V132I.
Identifiers: ClinVar variation 1481862 (VCV001481862.9), dbSNP rs1555461807, ClinGen allele CA395137429.

ClinVar aggregate classification (germline): Uncertain significance. Review status: criteria provided, multiple submitters, no conflicts (2 of 4 stars). 2 submissions from 2 submitters: Uncertain significance (2). Last evaluated 2023-07-22.

Conditions:
Hereditary cancer-predisposing syndrome. Also called: Tumor predisposition; Hereditary Cancer Syndrome; Hereditary neoplastic syndrome; Neoplastic Syndromes, Hereditary. Identifiers: Orphanet 140162, MedGen C0027672, MeSH D009386, MONDO:0015356.
Familial cancer of breast. Also called: hereditary breast carcinoma; Hereditary breast cancer; BREAST CANCER, FAMILIAL. Identifiers: Orphanet 227535, MedGen C0346153, MONDO:0016419, OMIM 114480. Disease mechanism: loss of function.

gnomAD v4.1: 1 of 1,612,538 alleles (0.000062%); no homozygotes.

Submissions (2):

Ambry Genetics
Classification: Uncertain significance for Hereditary cancer-predisposing syndrome. Last evaluated: 2023-07-22. Review status: criteria provided, single submitter. Criteria: Ambry Variant Classification Scheme 2023. Collection method: clinical testing. Allele origin: germline.
Comment: The p.V132I variant (also known as c.394G>A), located in coding exon 4 of the PALB2 gene, results from a G to A substitution at nucleotide position 394. The valine at codon 132 is replaced by isoleucine, an amino acid with highly similar properties. This amino acid position is not well conserved in available vertebrate species. In addition, this alteration is predicted to be tolerated by in silico analysis. Since supporting evidence is limited at this time, the clinical significance of this alteration remains unclear.

Labcorp Genetics (formerly Invitae), Labcorp
Classification: Uncertain significance for Familial cancer of breast. Last evaluated: 2020-11-05. Review status: criteria provided, single submitter. Criteria: Invitae Variant Classification Sherloc (09022015). Collection method: clinical testing. Allele origin: germline.
Comment: In summary, the available evidence is currently insufficient to determine the role of this variant in disease. Therefore, it has been classified as a Variant of Uncertain Significance. Algorithms developed to predict the effect of missense changes on protein structure and function output the following: SIFT: "Tolerated"; PolyPhen-2: "Benign"; Align-GVGD: "Class C0". The isoleucine amino acid residue is found in multiple mammalian species, suggesting that this missense change does not adversely affect protein function. These predictions have not been confirmed by published functional studies and their clinical significance is uncertain. This variant has been observed in individual(s) with breast cancer (PMID: 28779002). This variant is not present in population databases (ExAC no frequency). This sequence change replaces valine with isoleucine at codon 132 of the PALB2 protein (p.Val132Ile). The valine residue is weakly conserved and there is a small physicochemical difference between valine and isoleucine.

Literature cited by the submitters: PubMed 28779002 (cited by Labcorp Genetics (formerly Invitae), Labcorp).